The following is an entry in ClinVar:

NM_004100.5(EYA4):c.1432A>T (p.Met478Leu)

Genes: TARID (TCF21 antisense RNA inducing promoter demethylation; minus strand), EYA4 (EYA transcriptional coactivator and phosphatase 4; plus strand). Cytogenetic location: 6q23.2.
Variant type: single nucleotide variant.
Coding change: c.1432A>T on transcript NM_004100.5 (MANE Select); coding-DNA position 1432, A replaced by T.
Protein change: p.Met478Leu; replaces methionine 478 with leucine.
Molecular consequence: missense variant.
Genome position (GRCh38, 1-based): chr6:133,512,969, A>T. VCF-style: chr6-133512969-A-T. GRCh37 (hg19) VCF-style: chr6-133834107-A-T.
Other names: c.1270A>T, p.Met424Leu (NM_001301012.2); c.1450A>T, p.Met484Leu (NM_001301013.2); c.1363A>T, p.Met455Leu (NM_001370458.1, NM_172103.4); c.1288A>T, p.Met430Leu (NM_001370459.1); c.1432A>T, p.Met478Leu (NM_172105.4); short protein forms M424L, M455L, M478L, M484L, M430L.
Identifiers: ClinVar variation 2741256 (VCV002741256.3), dbSNP rs1799284620, ClinGen allele CA365715306.

ClinVar aggregate classification (germline): Uncertain significance (1 of 4 stars; one submission).

Conditions:
Dilated cardiomyopathy 1J (CMD1J). Also called: CARDIOMYOPATHY, DILATED, WITH SENSORINEURAL HEARING LOSS, AUTOSOMAL DOMINANT. Identifiers: Orphanet 217622, MedGen C1854368, MONDO:0011541, OMIM 605362.

gnomAD v4.1: 1 of 1,614,124 alleles (0.000062%); no homozygotes.

Submission:

Labcorp Genetics (formerly Invitae), Labcorp
Classification: Uncertain significance for Dilated cardiomyopathy 1J. Last evaluated: 2023-11-19. Review status: criteria provided, single submitter. Criteria: Invitae Variant Classification Sherloc (09022015). Collection method: clinical testing. Allele origin: germline.
Comment: This sequence change replaces methionine, which is neutral and non-polar, with leucine, which is neutral and non-polar, at codon 478 of the EYA4 protein (p.Met478Leu). This variant is not present in population databases (gnomAD no frequency). This variant has not been reported in the literature in individuals affected with EYA4-related conditions. Advanced modeling of protein sequence and biophysical properties (such as structural, functional, and spatial information, amino acid conservation, physicochemical variation, residue mobility, and thermodynamic stability) performed at Invitae indicates that this missense variant is expected to disrupt EYA4 protein function with a positive predictive value of 80%. In summary, the available evidence is currently insufficient to determine the role of this variant in disease. Therefore, it has been classified as a Variant of Uncertain Significance.